The following is an entry in ClinVar:

NM_001353921.2(ARHGEF9):c.1409C>T (p.Ser470Leu)

Gene: ARHGEF9 (Cdc42 guanine nucleotide exchange factor 9; minus strand). Cytogenetic location: Xq11.1.
Variant type: single nucleotide variant.
Coding change: c.1409C>T on transcript NM_001353921.2 (MANE Select); coding-DNA position 1409, C replaced by T.
Protein change: p.Ser470Leu; replaces serine 470 with leucine.
Molecular consequence: missense variant. On other transcripts: 3 prime UTR variant (2).
Genome position (GRCh38, 1-based): chrX:63,638,191, G>A on the plus strand (C>T on the coding strand, the complement: ARHGEF9 is on the minus strand). VCF-style: chrX-63638191-G-A. GRCh37 (hg19) VCF-style: chrX-62858071-G-A.
Other names: c.1229C>T, p.Ser410Leu (NM_001173479.2); c.1082C>T, p.Ser361Leu (NM_001173480.2, NM_001369042.1); c.1325C>T, p.Ser442Leu (NM_001330495.2, NM_001369033.1, NM_001369034.1 and 4 more transcripts); c.1277C>T, p.Ser426Leu (NM_001353922.2); c.1427C>T, p.Ser476Leu (NM_001353923.1); c.1208C>T, p.Ser403Leu (NM_001353924.2, NM_001353926.2, NM_001369039.1 and 1 more transcripts); c.1193C>T, p.Ser398Leu (NM_001353927.2, NM_001369041.1); c.1256C>T, p.Ser419Leu (NM_001353928.2); and 3 more; short protein forms S281L, S361L, S398L, S403L, S410L, S419L, S426L, S442L.
Identifiers: ClinVar variation 1009350 (VCV001009350.9), dbSNP rs782206262, ClinGen allele CA10431813.
Genomic context (GRCh38, chrX:63,638,191, plus strand): 5'-GGGACCAGGTACTGGCCGTGGTTTAACGGGTCCTGCGGTGGTGGGTAGGAAGGAGGAACT[G>A]AGCGGGCAGAGTTGACACCTAGAGTAGATGAGAGATCAAAGGGAAAGGGTATAAGTTATG-3'
Protein context (NP_001340850.1, residues 460-480): PKQKGVNSAR[Ser470Leu]VPPSYPPPQD

ClinVar aggregate classification (germline): Uncertain significance (1 of 4 stars; one submission).

Conditions:
Developmental and epileptic encephalopathy, 8 (DEE8). Also called: HYPEREKPLEXIA AND EPILEPSY. Identifiers: Orphanet 163985, Orphanet 2076, MedGen C1845102, MONDO:0010375, OMIM 300607.

Allele frequency attached by ClinVar (database versions not stated): gnomAD 0.00001; gnomAD exomes 0.00001; ExAC 0.00003; 1000 Genomes Project 30x 0.00021; 1000 Genomes Project 0.00026.
gnomAD v4.1: 1 of 1,185,362 alleles (0.000084%); highest among the groups gnomAD compares: Non-Finnish European, 0.00011%; no homozygotes.

Submission:

Labcorp Genetics (formerly Invitae), Labcorp
Classification: Uncertain significance for Developmental and epileptic encephalopathy, 8. Last evaluated: 2020-09-15. Review status: criteria provided, single submitter. Criteria: Invitae Variant Classification Sherloc (09022015). Collection method: clinical testing. Allele origin: germline.
Comment: This sequence change replaces serine with leucine at codon 463 of the ARHGEF9 protein (p.Ser463Leu). The serine residue is highly conserved and there is a large physicochemical difference between serine and leucine. This variant is present in population databases (rs782206262, ExAC 0.006%). In summary, the available evidence is currently insufficient to determine the role of this variant in disease. Therefore, it has been classified as a Variant of Uncertain Significance. Algorithms developed to predict the effect of missense changes on protein structure and function are either unavailable or do not agree on the potential impact of this missense change (SIFT: "Deleterious"; PolyPhen-2: "Benign"; Align-GVGD: "Class C0"). This variant has been observed in individual(s) with clinical features of ARHGEF9-related conditions (Invitae).